The following is an entry in ClinVar:

ClinVar aggregate classification (germline): Likely benign (0 of 4 stars; one submission).

Conditions:
ITSN2-related disorder. Also called: ITSN2-related condition.

Submission:

PreventionGenetics, part of Exact Sciences
Classification: Likely benign for ITSN2-related condition. Last evaluated: 2024-06-21. Review status: no assertion criteria provided. Collection method: clinical testing. Allele origin: germline.
Comment: This variant is classified as likely benign based on ACMG/AMP sequence variant interpretation guidelines (Richards et al. 2015 PMID: 25741868, with internal and published modifications).

NM_006277.3(ITSN2):c.4651AAG[2] (p.Lys1553del)

Gene: ITSN2 (intersectin 2; minus strand). Cytogenetic location: 2p23.3.
Variant type: Microsatellite.
Coding change: c.4651AAG[2] on transcript NM_006277.3 (MANE Select); two copies in a row of the 3-base unit AAG starting at c.4651; the reference has three copies in a row; one copy, 3 bases deleted.
Protein change: p.Lys1553del; deletes lysine 1553.
Molecular consequence: inframe deletion.
Genome position (GRCh38, 1-based): chr2:24,208,256-24,208,258, CTT deleted on the plus strand (AAG on the coding strand, the reverse complement: ITSN2 is on the minus strand); deleting any 3 consecutive bases within chr2:24,208,256-24,208,266 gives the same sequence; the position shown is the placement nearest the transcript's 3' end. VCF-style (leftmost placement, unchanged base first): chr2-24208255-GCTT-G. GRCh37 (hg19) VCF-style: chr2-24431124-GCTT-G.
Other names: c.4609AAG[2], p.Lys1539del (NM_001348181.2); c.4531AAG[2], p.Lys1513del (NM_001348182.2); c.4570AAG[2], p.Lys1526del (NM_019595.4); short protein forms K1513del, K1526del, K1539del, K1553del.
Identifiers: ClinVar variation 3350968 (VCV003350968.1).